The following is an entry in ClinVar:

ClinVar aggregate classification (germline): Uncertain significance (1 of 4 stars; one submission).

Conditions:
Early-infantile DEE. Also called: Early infantile epileptic encephalopathy; Early infantile epileptic encephalopathy with suppression bursts; Ohtahara syndrome. Identifiers: Orphanet 1934, MedGen C0393706, MONDO:0800491.

Submission:

Labcorp Genetics (formerly Invitae), Labcorp
Classification: Uncertain significance for Early-infantile DEE. Last evaluated: 2023-11-19. Review status: criteria provided, single submitter. Criteria: Invitae Variant Classification Sherloc (09022015). Collection method: clinical testing. Allele origin: germline.
Comment: This sequence change replaces isoleucine, which is neutral and non-polar, with leucine, which is neutral and non-polar, at codon 121 of the SCN8A protein (p.Ile121Leu). This variant is not present in population databases (gnomAD no frequency). This variant has not been reported in the literature in individuals affected with SCN8A-related conditions. Advanced modeling of protein sequence and biophysical properties (such as structural, functional, and spatial information, amino acid conservation, physicochemical variation, residue mobility, and thermodynamic stability) performed at Invitae indicates that this missense variant is not expected to disrupt SCN8A protein function with a negative predictive value of 95%. In summary, the available evidence is currently insufficient to determine the role of this variant in disease. Therefore, it has been classified as a Variant of Uncertain Significance.

NM_001330260.2(SCN8A):c.361A>T (p.Ile121Leu)

Gene: SCN8A (sodium voltage-gated channel alpha subunit 8; plus strand). Cytogenetic location: 12q13.13.
Variant type: single nucleotide variant.
Coding change: c.361A>T on transcript NM_001330260.2 (MANE Select); coding-DNA position 361, A replaced by T.
Protein change: p.Ile121Leu; replaces isoleucine 121 with leucine.
Molecular consequence: missense variant.
Genome position (GRCh38, 1-based): chr12:51,684,258, A>T. VCF-style: chr12-51684258-A-T. GRCh37 (hg19) VCF-style: chr12-52078042-A-T.
Other names: c.361A>T, p.Ile121Leu (NM_001177984.3, NM_001369788.1, NM_014191.4); short protein forms I121L.
Identifiers: ClinVar variation 2919785 (VCV002919785.3), dbSNP rs2540152205, ClinGen allele CA385221214.